The following is an entry in ClinVar:

NM_001382.4(DPAGT1):c.652C>T (p.Arg218Trp)

Gene: DPAGT1 (dolichyl-phosphate N-acetylglucosaminephosphotransferase 1; minus strand). Cytogenetic location: 11q23.3.
Variant type: single nucleotide variant.
Coding change: c.652C>T on transcript NM_001382.4 (MANE Select); coding-DNA position 652, C replaced by T.
Protein change: p.Arg218Trp; replaces arginine 218 with tryptophan.
Molecular consequence: missense variant.
Genome position (GRCh38, 1-based): chr11:119,098,479, G>A on the plus strand (C>T on the coding strand, the complement: DPAGT1 is on the minus strand). VCF-style: chr11-119098479-G-A. GRCh37 (hg19) VCF-style: chr11-118969189-G-A.
Other names: short protein forms R218W.
Identifiers: ClinVar variation 1407104 (VCV001407104.6), dbSNP rs1053302601, ClinGen allele CA229602903.

ClinVar aggregate classification (germline): Uncertain significance (1 of 4 stars; one submission).

Conditions:
DPAGT1-congenital disorder of glycosylation. Also called: CONGENITAL DISORDER OF GLYCOSYLATION, TYPE Ij; CDG Ij; DPAGT1-CDG. Identifiers: Orphanet 86309, MedGen C2931004, MONDO:0011964, OMIM 608093.
Congenital myasthenic syndrome 13 (CMS13). Also called: Myasthenic syndrome, congenital, with tubular aggregates 2; Myasthenic syndrome, congenital, 13, with tubular aggregates. Identifiers: Orphanet 353327, Orphanet 590, MedGen C3553645, MONDO:0013883, OMIM 614750.

Allele frequency attached by ClinVar (database versions not stated): gnomAD exomes below 0.00001 and 0.00001; gnomAD 0.00001; TOPMed 0.00001.

Submission:

Labcorp Genetics (formerly Invitae), Labcorp
Classification: Uncertain significance for Congenital myasthenic syndrome 13; DPAGT1-congenital disorder of glycosylation. Last evaluated: 2022-03-22. Review status: criteria provided, single submitter. Criteria: Invitae Variant Classification Sherloc (09022015). Collection method: clinical testing. Allele origin: germline.
Comment: In summary, the available evidence is currently insufficient to determine the role of this variant in disease. Therefore, it has been classified as a Variant of Uncertain Significance. Algorithms developed to predict the effect of missense changes on protein structure and function are either unavailable or do not agree on the potential impact of this missense change (SIFT: "Deleterious"; PolyPhen-2: "Benign"; Align-GVGD: "Class C0"). This missense change has been observed in individual(s) with congenital myasthenic syndrome (PMID: 23591138). It has also been observed to segregate with disease in related individuals. This variant is present in population databases (no rsID available, gnomAD 0.003%). This sequence change replaces arginine, which is basic and polar, with tryptophan, which is neutral and slightly polar, at codon 218 of the DPAGT1 protein (p.Arg218Trp).

Literature cited by the submitters: PubMed 23591138.